The following is an entry in ClinVar:

NM_001330691.3(CEP78):c.14T>C (p.Val5Ala)

Gene: CEP78 (centrosomal protein 78; plus strand). Cytogenetic location: 9q21.2.
Variant type: single nucleotide variant.
Coding change: c.14T>C on transcript NM_001330691.3 (MANE Select); coding-DNA position 14, T replaced by C.
Protein change: p.Val5Ala; replaces valine 5 with alanine.
Molecular consequence: missense variant.
Genome position (GRCh38, 1-based): chr9:78,236,364, T>C. VCF-style: chr9-78236364-T-C. GRCh37 (hg19) VCF-style: chr9-80851280-T-C.
Other names: c.14T>C, p.Val5Ala (NM_001098802.3, NM_001330693.3, NM_001330694.2 and 4 more transcripts); c.14T>C (NM_001098802.1); short protein forms V5A.
Identifiers: ClinVar variation 1446796 (VCV001446796.6), dbSNP rs1381420965, ClinGen allele CA373999085.
Genomic context (GRCh38, chr9:78,236,364, plus strand): 5'-CGGGCGGCGTCTCCGCGGCGGGCATCCCCCGAGGCCGCCCTCGGGCCATGATCGACTCCG[T>C]GAAGCTGCGCCGCGACAGCGCGGCGGACTTCTTCTCCCACTACGAGTACCTGTGCGCGCT-3'
Protein context (NP_001317620.1, residues 1-15): MIDS[Val5Ala]KLRRDSAADF

ClinVar aggregate classification (germline): Uncertain significance. Review status: criteria provided, multiple submitters, no conflicts (2 of 4 stars). 2 submissions from 2 submitters: Uncertain significance (2). Last evaluated 2026-09-01.

Conditions:
CEP78-related disorder. Also called: CEP78-related condition.

Allele frequency attached by ClinVar (database versions not stated): gnomAD 0.00001; gnomAD exomes 0.00001 and 0.00003; TOPMed 0.00001.
gnomAD v4.1: 46 of 1,580,648 alleles (0.0029%); highest among the groups gnomAD compares: Non-Finnish European, 0.0039%; no homozygotes.

Submissions (2):

PreventionGenetics, part of Exact Sciences
Classification: Uncertain significance for CEP78-related condition. Last evaluated: 2026-09-01. Review status: criteria provided, single submitter. Criteria: ACMG Guidelines, 2015. Collection method: clinical testing. Allele origin: germline.
Comment: The CEP78 c.14T>C variant is predicted to result in the amino acid substitution p.Val5Ala. To our knowledge, this variant has not been reported in the literature. This variant is reported in 0.0024% of alleles in individuals of European (Non-Finnish) descent in gnomAD. At this time, the clinical significance of this variant is uncertain due to the absence of conclusive functional and genetic evidence.

Labcorp Genetics (formerly Invitae), Labcorp
Classification: Uncertain significance. Last evaluated: 2021-08-27. Review status: criteria provided, single submitter. Criteria: Invitae Variant Classification Sherloc (09022015). Collection method: clinical testing. Allele origin: germline.
Comment: This sequence change replaces valine with alanine at codon 5 of the CEP78 protein (p.Val5Ala). The valine residue is weakly conserved and there is a small physicochemical difference between valine and alanine. The frequency data for this variant in the population databases is considered unreliable, as metrics indicate insufficient coverage at this position in the ExAC database. This variant has not been reported in the literature in individuals affected with CEP78-related conditions. Algorithms developed to predict the effect of missense changes on protein structure and function output the following: SIFT: "Tolerated"; PolyPhen-2: "Benign"; Align-GVGD: "Class C0". The alanine amino acid residue is found in multiple mammalian species, which suggests that this missense change does not adversely affect protein function. In summary, the available evidence is currently insufficient to determine the role of this variant in disease. Therefore, it has been classified as a Variant of Uncertain Significance.